The following is an entry in ClinVar:

ClinVar aggregate classification (germline): Conflicting classifications of pathogenicity. Review status: criteria provided, conflicting classifications (1 of 4 stars). 3 submissions from 3 submitters: Uncertain significance (1); Likely benign (2). Last evaluated 2025-12-21.

Conditions:
Cardiovascular phenotype. Identifiers: MedGen CN230736.
Noonan syndrome 9 (NS9). Identifiers: Orphanet 648, MedGen C4225282, MONDO:0014691, OMIM 616559.

Submissions (3):

Labcorp Genetics (formerly Invitae), Labcorp
Classification: Likely benign for Noonan syndrome 9. Last evaluated: 2025-12-21. Review status: criteria provided, single submitter. Criteria: Invitae Variant Classification Sherloc (09022015). Collection method: clinical testing. Allele origin: germline.

Ambry Genetics
Classification: Likely benign for Cardiovascular phenotype. Last evaluated: 2025-12-16. Review status: criteria provided, single submitter. Criteria: Ambry Variant Classification Scheme 2023. Collection method: clinical testing. Allele origin: germline.

CeGaT Center for Human Genetics Tuebingen
Classification: Uncertain significance. Last evaluated: 2022-09-01. Review status: criteria provided, single submitter. Criteria: CeGaT Center For Human Genetics Tuebingen Variant Classification Criteria Version 2. Collection method: clinical testing. Allele origin: germline. Affected: yes. Observed: 1 variant allele.
Comment: SOS2: PM2:Supporting, BP4

NM_006939.4(SOS2):c.693T>C (p.Asp231=)

Gene: SOS2 (SOS Ras/Rho guanine nucleotide exchange factor 2; minus strand). Cytogenetic location: 14q21.3.
Variant type: single nucleotide variant.
Coding change: c.693T>C on transcript NM_006939.4 (MANE Select); coding-DNA position 693, T replaced by C.
Protein change: p.Asp231=; no amino-acid change (aspartic acid 231 retained).
Molecular consequence: synonymous variant.
Genome position (GRCh38, 1-based): chr14:50,188,518, A>G on the plus strand (T>C on the coding strand, the complement: SOS2 is on the minus strand). VCF-style: chr14-50188518-A-G. GRCh37 (hg19) VCF-style: chr14-50655236-A-G.
Other names: c.693T>C (NM_006939.2).
Identifiers: ClinVar variation 1592210 (VCV001592210.31), dbSNP rs2139733831, ClinGen allele CA486172788.